The following is an entry in ClinVar:

NM_004656.4(BAP1):c.269C>T (p.Ser90Phe)

Gene: BAP1 (BRCA1 associated deubiquitinase 1; minus strand). Cytogenetic location: 3p21.1.
Variant type: single nucleotide variant.
Coding change: c.269C>T on transcript NM_004656.4 (MANE Select); coding-DNA position 269, C replaced by T.
Protein change: p.Ser90Phe; replaces serine 90 with phenylalanine.
Molecular consequence: missense variant.
Genome position (GRCh38, 1-based): chr3:52,408,064, G>A on the plus strand (C>T on the coding strand, the complement: BAP1 is on the minus strand). VCF-style: chr3-52408064-G-A. GRCh37 (hg19) VCF-style: chr3-52442080-G-A.
Other names: c.269C>T, p.Ser90Phe (NM_001410772.1); short protein forms S90F.
Identifiers: ClinVar variation 1794880 (VCV001794880.2), dbSNP rs2153228148, ClinGen allele CA353112624.

ClinVar aggregate classification (germline): Uncertain significance (1 of 4 stars; one submission).

Conditions:
Hereditary cancer-predisposing syndrome. Also called: Tumor predisposition; Hereditary Cancer Syndrome; Neoplastic Syndromes, Hereditary; Hereditary neoplastic syndrome. Identifiers: Orphanet 140162, MedGen C0027672, MeSH D009386, MONDO:0015356.

Submission:

Ambry Genetics
Classification: Uncertain significance for Hereditary cancer-predisposing syndrome. Last evaluated: 2022-08-25. Review status: criteria provided, single submitter. Criteria: Ambry Variant Classification Scheme 2023. Collection method: clinical testing. Allele origin: germline.
Comment: The p.S90F variant (also known as c.269C>T), located in coding exon 5 of the BAP1 gene, results from a C to T substitution at nucleotide position 269. The serine at codon 90 is replaced by phenylalanine, an amino acid with highly dissimilar properties. This amino acid position is highly conserved in available vertebrate species. In addition, this alteration is predicted to be deleterious by in silico analysis. Since supporting evidence is limited at this time, the clinical significance of this alteration remains unclear.